The following is an entry in ClinVar:

ClinVar aggregate classification (germline): Uncertain significance (1 of 4 stars; one submission).

gnomAD v4.1: 2 of 1,614,060 alleles (0.00012%); highest among the groups gnomAD compares: African/African-American, 0.0027%; no homozygotes.

Submission:

GeneDx
Classification: Uncertain significance. Last evaluated: 2025-06-04. Review status: criteria provided, single submitter. Criteria: GeneDx Variant Classification Process June 2021. Collection method: clinical testing. Allele origin: germline.
Comment: Not observed at significant frequency in large population cohorts (gnomAD); In silico analysis supports that this missense variant has a deleterious effect on protein structure/function; Has not been previously published as pathogenic or benign to our knowledge

NM_001904.4(CTNNB1):c.1915C>T (p.Pro639Ser)

Gene: CTNNB1 (catenin beta 1; plus strand). Cytogenetic location: 3p22.1.
Variant type: single nucleotide variant.
Coding change: c.1915C>T on transcript NM_001904.4 (MANE Select); coding-DNA position 1915, C replaced by T.
Protein change: p.Pro639Ser; replaces proline 639 with serine.
Molecular consequence: missense variant.
Genome position (GRCh38, 1-based): chr3:41,236,460, C>T. VCF-style: chr3-41236460-C-T. GRCh37 (hg19) VCF-style: chr3-41277951-C-T.
Other names: c.1915C>T, p.Pro639Ser (NM_001098209.2, NM_001098210.2); c.1894C>T, p.Pro632Ser (NM_001330729.2); short protein forms P632S, P639S.
Identifiers: ClinVar variation 3897251 (VCV003897251.2).